The following is an entry in ClinVar:

NM_001384140.1(PCDH15):c.3122+2T>A

Gene: PCDH15 (protocadherin related 15; minus strand). Cytogenetic location: 10q21.1.
Variant type: single nucleotide variant.
Coding change: c.3122+2T>A on transcript NM_001384140.1 (MANE Select); the canonical splice donor site of the intron after coding-DNA position 3122, T replaced by A.
Molecular consequence: splice donor variant.
Genome position (GRCh38, 1-based): chr10:53,959,730, A>T on the plus strand (T>A on the coding strand, the complement: PCDH15 is on the minus strand). VCF-style: chr10-53959730-A-T. GRCh37 (hg19) VCF-style: chr10-55719490-A-T.
Other names: c.3122+2T>A (NM_001354420.2, NM_001354429.2, NM_001142772.2 and 4 more transcripts); c.3137+2T>A (NM_001142771.2, NM_001142763.2); c.3143+2T>A (NM_001354411.2); c.3158+2T>A (NM_001142769.3); c.3056+2T>A (NM_001354404.2, NM_001142773.2, NM_001142768.2); c.3011+2T>A (NM_001142767.2); c.2909+2T>A (NM_001142765.2).
Identifiers: ClinVar variation 552990 (VCV000552990.13), dbSNP rs1554882546, ClinGen allele CA376520672.
Genomic context (GRCh38, chr10:53,959,730, plus strand): 5'-AGACTCCTTTCAAAAATGCCCTAAACATTTCGTGTATTTCAAAATCGGACAGAAATCAAT[A>T]CCTATATTCCTCCTGTGTGAAGCGTGGGATCTCACCAGGATGTAAGACAAGAATCTTCAC-3'

ClinVar aggregate classification (germline): Likely pathogenic. Review status: criteria provided, multiple submitters, no conflicts (2 of 4 stars). 4 submissions from 4 submitters: Likely pathogenic (3). 1 of the submissions does not count toward it. Last evaluated 2026-06-25.

Conditions:
Usher syndrome type 1F (USH1F). Also called: USHER SYNDROME, TYPE IF. Identifiers: Orphanet 231169, Orphanet 886, MedGen C1865885, MONDO:0011186, OMIM 602083.

Submissions (4):

Myriad Genetics, Inc.
Classification: Likely pathogenic for Usher syndrome type 1F. Last evaluated: 2026-06-25. Review status: criteria provided, single submitter. Criteria: Myriad Autosomal Dominant, Autosomal Recessive and X-Linked Classification Criteria (2023). Collection method: clinical testing. Allele origin: unknown.
Comment: NM_033056.3(PCDH15):c.3122+2T>A is a variant in a canonical splice site classified as likely pathogenic in the context of PCDH15-related disorders. c.3122+2T>A has not been observed in cases with relevant disease. Relevant functional assessments of this variant are not available in the literature. c.3122+2T>A has not been observed in referenced population frequency databases. In summary, NM_033056.3(PCDH15):c.3122+2T>A is a variant in a canonical splice site in a gene where loss of function is a known mechanism of disease and is predicted to disrupt protein function. Please note: this variant was assessed in the context of healthy population screening.

Natera, Inc.
Classification: Likely pathogenic for Usher syndrome type 1F. Last evaluated: 2025-12-22. Review status: criteria provided, single submitter. Criteria: Natera Variant Classification Schema (03/2026). Collection method: clinical testing. Allele origin: germline.
Comment: The c.3122+2T>A variant in PCDH15 is a canonical splice donor site variant predicted to affect pre-mRNA splicing, which may result in an abnormal transcript and altered protein product. This variant is expected to result in nonsense mediated decay, truncation, or a dysfunctional protein product. This variant is rare in the general population with a frequency below the threshold expected for the associated phenotype(s). Given the available evidence, this variant is classified as Likely Pathogenic.

Labcorp Genetics (formerly Invitae), Labcorp
Classification: Likely pathogenic. Last evaluated: 2018-05-06. Review status: criteria provided, single submitter. Criteria: Invitae Variant Classification Sherloc (09022015). Collection method: clinical testing. Allele origin: germline.
Comment: Donor and acceptor splice site variants typically lead to a loss of protein function (PMID: 16199547), and loss-of-function variants in PCDH15 are known to be pathogenic (PMID: 11398101, 11487575, 14570705). In summary, the currently available evidence indicates that the variant is pathogenic, but additional data are needed to prove that conclusively. Therefore, this variant has been classified as Likely Pathogenic. This variant is not present in population databases (ExAC no frequency). This sequence change affects a donor splice site in intron 23 of the PCDH15 gene. It is expected to disrupt RNA splicing and likely results in an absent or disrupted protein product.

Counsyl
Classification: Likely pathogenic for Usher syndrome type 1F. Last evaluated: 2017-07-24. Review status: no assertion criteria provided. Collection method: clinical testing. Allele origin: unknown. Not counted in ClinVar's aggregate classification.

Literature cited by the submitters: PubMed 16199547 (cited by Labcorp Genetics (formerly Invitae), Labcorp); PubMed 11398101 (cited by Labcorp Genetics (formerly Invitae), Labcorp); PubMed 11487575 (cited by Labcorp Genetics (formerly Invitae), Labcorp); PubMed 14570705 (cited by Labcorp Genetics (formerly Invitae), Labcorp).